The following is an entry in ClinVar:

NM_004183.4(BEST1):c.745_747del (p.Leu249del)

Gene: BEST1 (bestrophin 1; plus strand). Cytogenetic location: 11q12.3.
Variant type: Deletion.
Coding change: c.745_747del on transcript NM_004183.4 (MANE Select); coding-DNA positions 745 to 747, 3 bases deleted (CTG; older notation c.745_747delCTG).
Protein change: p.Leu249del; deletes leucine 249.
Molecular consequence: inframe deletion. On other transcripts: inframe indel (3), non-coding transcript variant (1).
Genome position (GRCh38, 1-based): chr11:61,958,176-61,958,178, CTG deleted. VCF-style (leftmost placement, unchanged base first): chr11-61958175-CCTG-C. GRCh37 (hg19) VCF-style: chr11-61725647-CCTG-C.
Other names: c.565_567delCTG, p.Leu189del (NM_001139443.3); c.565_567del, p.Leu189del (NM_001300786.2, NM_001300787.2); c.427_429delCTG, p.Leu143del (NM_001363591.3); c.745_747delCTG, p.Leu249del (NM_001363592.2); c.-431_-429delCTG (NM_001363593.3); short protein forms L249del, L143del, L189del.
Identifiers: ClinVar variation 2129673 (VCV002129673.4), dbSNP rs2541384079, ClinGen allele CA2580084371.
Genomic context (GRCh38, chr11:61,958,175, plus strand): 5'-CTTTGCTACCACATCCTCCTCCTCCTCCCAGGTGGTGACTGTGGCGGTGTACAGCTTCTT[CCTG>C]ACTTGTCTAGTTGGGCGGCAGTTTCTGAACCCAGCCAAGGCCTACCCTGGCCATGAGCTG-3'

ClinVar aggregate classification (germline): Uncertain significance (1 of 4 stars; one submission).

Submission:

Labcorp Genetics (formerly Invitae), Labcorp
Classification: Uncertain significance. Last evaluated: 2022-04-23. Review status: criteria provided, single submitter. Criteria: Invitae Variant Classification Sherloc (09022015). Collection method: clinical testing. Allele origin: germline.
Comment: In summary, the available evidence is currently insufficient to determine the role of this variant in disease. Therefore, it has been classified as a Variant of Uncertain Significance. Experimental studies and prediction algorithms are not available or were not evaluated, and the functional significance of this variant is currently unknown. This variant has not been reported in the literature in individuals affected with BEST1-related conditions. This variant is not present in population databases (gnomAD no frequency). This variant, c.745_747del, results in the deletion of 1 amino acid(s) of the BEST1 protein (p.Leu249del), but otherwise preserves the integrity of the reading frame.